The following is an entry in ClinVar:

ClinVar aggregate classification (germline): Uncertain significance (1 of 4 stars; one submission).

Conditions:
Inborn genetic diseases. Identifiers: MedGen C0950123, MeSH D030342.

gnomAD v4.1: 6 of 1,613,142 alleles (0.00037%); highest among the groups gnomAD compares: South Asian, 0.0033%; no homozygotes.

Submission:

Ambry Genetics
Classification: Uncertain significance for Inborn genetic diseases. Last evaluated: 2026-01-17. Review status: criteria provided, single submitter. Criteria: Ambry Variant Classification Scheme 2023. Collection method: clinical testing. Allele origin: germline.
Comment: The p.G911R variant (also known as c.2731G>A), located in coding exon 1 of the SAMD9L gene, results from a G to A substitution at nucleotide position 2731. The glycine at codon 911 is replaced by arginine, an amino acid with dissimilar properties. This amino acid position is conserved. In addition, this alteration is predicted to be tolerated by in silico analysis. Based on the available evidence, the clinical significance of this variant remains unclear.

NM_152703.5(SAMD9L):c.2731G>A (p.Gly911Arg)

Gene: SAMD9L (sterile alpha motif domain containing 9 like; minus strand). Cytogenetic location: 7q21.2.
Variant type: single nucleotide variant.
Coding change: c.2731G>A on transcript NM_152703.5 (MANE Select); coding-DNA position 2731, G replaced by A.
Protein change: p.Gly911Arg; replaces glycine 911 with arginine.
Molecular consequence: missense variant.
Genome position (GRCh38, 1-based): chr7:93,133,241, C>T on the plus strand (G>A on the coding strand, the complement: SAMD9L is on the minus strand). VCF-style: chr7-93133241-C-T. GRCh37 (hg19) VCF-style: chr7-92762554-C-T.
Other names: c.2731G>A, p.Gly911Arg (NM_001350085.2, NM_001303496.3, NM_001303497.3 and 5 more transcripts); short protein forms G911R.
Identifiers: ClinVar variation 4844798 (VCV004844798.1).